The following is an entry in ClinVar:

ClinVar aggregate classification (germline): Uncertain significance (1 of 4 stars; one submission).

Allele frequency attached by ClinVar (database versions not stated): gnomAD 0.00001; gnomAD exomes 0.00001.
gnomAD v4.1: 18 of 1,613,958 alleles (0.0011%); highest among the groups gnomAD compares: Admixed American, 0.0017%; no homozygotes.

Submission:

Labcorp Genetics (formerly Invitae), Labcorp
Classification: Uncertain significance. Last evaluated: 2025-08-26. Review status: criteria provided, single submitter. Criteria: Invitae Variant Classification Sherloc (09022015). Collection method: clinical testing. Allele origin: germline.
Comment: This sequence change replaces arginine, which is basic and polar, with glutamine, which is neutral and polar, at codon 651 of the COMP protein (p.Arg651Gln). This variant is not present in population databases (gnomAD no frequency). This variant has not been reported in the literature in individuals affected with COMP-related conditions. ClinVar contains an entry for this variant (Variation ID: 1921273). Invitae Evidence Modeling of protein sequence and biophysical properties (such as structural, functional, and spatial information, amino acid conservation, physicochemical variation, residue mobility, and thermodynamic stability) indicates that this missense variant is expected to disrupt COMP protein function with a positive predictive value of 80%. In summary, the available evidence is currently insufficient to determine the role of this variant in disease. Therefore, it has been classified as a Variant of Uncertain Significance.

NM_000095.3(COMP):c.1952G>A (p.Arg651Gln)

Gene: COMP (cartilage oligomeric matrix protein; minus strand). Cytogenetic location: 19p13.11.
Variant type: single nucleotide variant.
Coding change: c.1952G>A on transcript NM_000095.3 (MANE Select); coding-DNA position 1952, G replaced by A.
Protein change: p.Arg651Gln; replaces arginine 651 with glutamine.
Molecular consequence: missense variant.
Genome position (GRCh38, 1-based): chr19:18,784,326, C>T on the plus strand (G>A on the coding strand, the complement: COMP is on the minus strand). VCF-style: chr19-18784326-C-T. GRCh37 (hg19) VCF-style: chr19-18895136-C-T.
Other names: short protein forms R651Q.
Identifiers: ClinVar variation 1921273 (VCV001921273.6), dbSNP rs987402262, ClinGen allele CA306253063.